The following is an entry in ClinVar:

NM_004130.4(GYG1):c.829-2del

Gene: GYG1 (glycogenin 1; plus strand). Cytogenetic location: 3q24.
Variant type: Deletion.
Coding change: c.829-2del on transcript NM_004130.4 (MANE Select); the canonical splice acceptor site of the intron before coding-DNA position 829, one base deleted (A; older notation c.829-2delA).
Molecular consequence: splice acceptor variant. On other transcripts: intron variant (2).
Genome position (GRCh38, 1-based): chr3:149,026,450, A deleted. VCF-style (leftmost placement, unchanged base first): chr3-149026449-CA-C. GRCh37 (hg19) VCF-style: chr3-148744236-CA-C.
Other names: c.829-310del (NM_001184720.2); c.609-310del (NM_001184721.2).
Identifiers: ClinVar variation 4790610 (VCV004790610.1).

ClinVar aggregate classification (germline): Likely pathogenic (1 of 4 stars; one submission).

Conditions:
Polyglucosan body myopathy type 2. Identifiers: Orphanet 456369, MedGen C4015452, MONDO:0014526, OMIM 616199.
Glycogen storage disease XV (GSD15). Also called: GLYCOGENIN DEFICIENCY; GSD XV. Identifiers: Orphanet 263297, MedGen C3150754, MONDO:0013291, OMIM 613507.

Submission:

Labcorp Genetics (formerly Invitae), Labcorp
Classification: Likely pathogenic for Polyglucosan body myopathy type 2; Glycogen storage disease XV. Last evaluated: 2025-12-01. Review status: criteria provided, single submitter. Criteria: Invitae Variant Classification Sherloc (09022015). Collection method: clinical testing. Allele origin: germline.
Comment: This sequence change affects a splice site in intron 6 of the GYG1 gene. It is expected to disrupt RNA splicing. Variants that disrupt the donor or acceptor splice site typically lead to a loss of protein function (PMID: 16199547), and loss-of-function variants in GYG1 are known to be pathogenic (PMID: 20357282, 25272951). This variant is present in population databases (rs774191152, gnomAD 0.01%). This variant has not been reported in the literature in individuals affected with GYG1-related conditions. Algorithms developed to predict the effect of sequence changes on RNA splicing suggest that this variant may create or strengthen a splice site. In summary, the currently available evidence indicates that the variant is pathogenic, but additional data are needed to prove that conclusively. Therefore, this variant has been classified as Likely Pathogenic.

Literature cited by the submitters: PubMed 16199547; PubMed 20357282; PubMed 25272951.